The following is an entry in ClinVar:

NM_001385641.1(SAMD11):c.1241G>A (p.Gly414Asp)

Gene: SAMD11 (sterile alpha motif domain containing 11; plus strand). Cytogenetic location: 1p36.33.
Variant type: single nucleotide variant.
Coding change: c.1241G>A on transcript NM_001385641.1 (MANE Select); coding-DNA position 1241, G replaced by A.
Protein change: p.Gly414Asp; replaces glycine 414 with aspartic acid.
Molecular consequence: missense variant.
Genome position (GRCh38, 1-based): chr1:941,189, G>A. VCF-style: chr1-941189-G-A. GRCh37 (hg19) VCF-style: chr1-876569-G-A.
Other names: c.1244G>A, p.Gly415Asp (NM_001385640.1); c.752G>A, p.Gly251Asp (NM_152486.4); short protein forms G251D, G415D, G414D.
Identifiers: ClinVar variation 3157641 (VCV003157641.2), dbSNP rs763202330, ClinGen allele CA502794.
Genomic context (GRCh38, chr1:941,189, plus strand): 5'-TTGTCCCCCACCCAGATCTCCTGAGGGTCCGGCAGGAGGTGGCGGCTGCAGCTCTGAGGG[G>A]CCCCAGTGGCCTGGAAGCCCACCTGCCCTCCTCCACGGCAGGTCAGCGTCGGAAGCAGGG-3'
Protein context (NP_001372570.1, residues 404-424): RQEVAAAALR[Gly414Asp]PSGLEAHLPS

ClinVar aggregate classification (germline): Uncertain significance. Review status: criteria provided, multiple submitters, no conflicts (2 of 4 stars). 2 submissions from 2 submitters: Uncertain significance (2). Last evaluated 2025-12-29.

Allele frequency attached by ClinVar (database versions not stated): gnomAD exomes 0.00001; ExAC 0.00003; TOPMed 0.00005; gnomAD 0.00003.
gnomAD v4.1: 12 of 1,601,544 alleles (0.00075%); highest among the groups gnomAD compares: African/African-American, 0.0054%; no homozygotes.

Submissions (2):

Labcorp Genetics (formerly Invitae), Labcorp
Classification: Uncertain significance. Last evaluated: 2025-12-29. Review status: criteria provided, single submitter. Criteria: Invitae Variant Classification Sherloc (09022015). Collection method: clinical testing. Allele origin: germline.
Comment: This sequence change replaces glycine, which is neutral and non-polar, with aspartic acid, which is acidic and polar, at codon 251 of the SAMD11 protein (p.Gly251Asp). The frequency data for this variant in the population databases is considered unreliable, as metrics indicate poor data quality at this position in the gnomAD database. This variant has not been reported in the literature in individuals affected with SAMD11-related conditions. ClinVar contains an entry for this variant (Variation ID: 3157641). An algorithm developed to predict the effect of missense changes on protein structure and function (PolyPhen-2) suggests that this variant is likely to be tolerated. In summary, the available evidence is currently insufficient to determine the role of this variant in disease. Therefore, it has been classified as a Variant of Uncertain Significance.

Ambry Genetics
Classification: Uncertain significance. Last evaluated: 2024-02-27. Review status: criteria provided, single submitter. Criteria: Ambry Variant Classification Scheme 2023. Collection method: clinical testing. Allele origin: germline.